The following is an entry in ClinVar:

NM_001134407.3(GRIN2A):c.1015G>T (p.Val339Phe)

Gene: GRIN2A (glutamate ionotropic receptor NMDA type subunit 2A; minus strand). Cytogenetic location: 16p13.2.
Variant type: single nucleotide variant.
Coding change: c.1015G>T on transcript NM_001134407.3 (MANE Select); coding-DNA position 1015, G replaced by T.
Protein change: p.Val339Phe; replaces valine 339 with phenylalanine.
Molecular consequence: missense variant.
Genome position (GRCh38, 1-based): chr16:9,891,093, C>A on the plus strand (G>T on the coding strand, the complement: GRIN2A is on the minus strand). VCF-style: chr16-9891093-C-A. GRCh37 (hg19) VCF-style: chr16-9984950-C-A.
Other names: c.1015G>T, p.Val339Phe (NM_000833.5, NM_001134408.2); short protein forms V339F.
Identifiers: ClinVar variation 3621743 (VCV003621743.2).

ClinVar aggregate classification (germline): Uncertain significance (1 of 4 stars; one submission).

Conditions:
Landau-Kleffner syndrome (FESD). Also called: EPILEPSY, FOCAL, WITH SPEECH DISORDER AND WITH OR WITHOUT MENTAL RETARDATION; APHASIA, ACQUIRED, WITH EPILEPSY. Identifiers: Orphanet 1945, Orphanet 725, Orphanet 98818, MedGen C0282512, MONDO:0009509, OMIM 245570.

gnomAD v4.1: 1 of 1,601,128 alleles (0.000062%); highest among the groups gnomAD compares: South Asian, 0.0011%; no homozygotes.

Submission:

Labcorp Genetics (formerly Invitae), Labcorp
Classification: Uncertain significance for Landau-Kleffner syndrome. Last evaluated: 2024-02-01. Review status: criteria provided, single submitter. Criteria: Invitae Variant Classification Sherloc (09022015). Collection method: clinical testing. Allele origin: germline.
Comment: This sequence change replaces valine, which is neutral and non-polar, with phenylalanine, which is neutral and non-polar, at codon 339 of the GRIN2A protein (p.Val339Phe). This variant is not present in population databases (gnomAD no frequency). This variant has not been reported in the literature in individuals affected with GRIN2A-related conditions. Advanced modeling of protein sequence and biophysical properties (such as structural, functional, and spatial information, amino acid conservation, physicochemical variation, residue mobility, and thermodynamic stability) performed at Invitae indicates that this missense variant is not expected to disrupt GRIN2A protein function with a negative predictive value of 95%. In summary, the available evidence is currently insufficient to determine the role of this variant in disease. Therefore, it has been classified as a Variant of Uncertain Significance.